The following is an entry in ClinVar:

ClinVar aggregate classification (germline): Uncertain significance (1 of 4 stars; one submission).

Submission:

GeneDx
Classification: Uncertain significance. Last evaluated: 2024-07-11. Review status: criteria provided, single submitter. Criteria: GeneDx Variant Classification Process June 2021. Collection method: clinical testing. Allele origin: germline. Affected: yes.
Comment: Not observed at significant frequency in large population cohorts (gnomAD); In silico analysis indicates that this missense variant does not alter protein structure/function; Has not been previously published as pathogenic or benign to our knowledge

NM_001039213.4(CEACAM16):c.861G>C (p.Gln287His)

Genes: CEACAM16 (CEA cell adhesion molecule 16, tectorial membrane component; plus strand), CEACAM16-AS1 (CEACAM16, CEACAM19 and PVR antisense RNA 1; minus strand). Cytogenetic location: 19q13.32.
Variant type: single nucleotide variant.
Coding change: c.861G>C on transcript NM_001039213.4 (MANE Select); coding-DNA position 861, G replaced by C.
Protein change: p.Gln287His; replaces glutamine 287 with histidine.
Molecular consequence: missense variant.
Genome position (GRCh38, 1-based): chr19:44,705,789, G>C. VCF-style: chr19-44705789-G-C. GRCh37 (hg19) VCF-style: chr19-45209059-G-C.
Other names: short protein forms Q287H.
Identifiers: ClinVar variation 3572735 (VCV003572735.1).